The following is an entry in ClinVar:

ClinVar aggregate classification (germline): Uncertain significance (1 of 4 stars; one submission).

gnomAD v4.1: 11 of 1,614,080 alleles (0.00068%); highest among the groups gnomAD compares: Non-Finnish European, 0.00085%; no homozygotes.

Submission:

Women's Health and Genetics/Laboratory Corporation of America, LabCorp
Classification: Uncertain significance. Last evaluated: 2025-10-03. Review status: criteria provided, single submitter. Criteria: LabCorp Variant Classification Summary - May 2015. Collection method: clinical testing. Allele origin: germline.
Comment: Variant summary: SYNE1 c.20309C>T (p.Ala6770Val) results in a non-conservative amino acid change in the encoded protein sequence. Algorithms developed to predict the effect of missense changes on protein structure and function are either unavailable or do not agree on the potential impact of this missense change. The variant was absent in 251402 control chromosomes. The available data on variant occurrences in the general population are insufficient to allow any conclusion about variant significance. To our knowledge, no occurrence of c.20309C>T in individuals affected with SYNE1-related conditions and no experimental evidence demonstrating its impact on protein function have been reported. No submitters have cited clinical-significance assessments for this variant to ClinVar. Based on the evidence outlined above, the variant was classified as uncertain significance.

NM_182961.4(SYNE1):c.20522C>T (p.Ala6841Val)

Gene: SYNE1 (spectrin repeat containing nuclear envelope protein 1; minus strand). Cytogenetic location: 6q25.2.
Variant type: single nucleotide variant.
Coding change: c.20522C>T on transcript NM_182961.4 (MANE Select); coding-DNA position 20522, C replaced by T.
Protein change: p.Ala6841Val; replaces alanine 6841 with valine.
Molecular consequence: missense variant.
Genome position (GRCh38, 1-based): chr6:152,234,675, G>A on the plus strand (C>T on the coding strand, the complement: SYNE1 is on the minus strand). VCF-style: chr6-152234675-G-A. GRCh37 (hg19) VCF-style: chr6-152555810-G-A.
Other names: c.20309C>T, p.Ala6770Val (NM_033071.5); short protein forms A6770V, A6841V.
Identifiers: ClinVar variation 4687579 (VCV004687579.1).
Genomic context (GRCh38, chr6:152,234,675, plus strand): 5'-GGTCAGGCCTAACTTATAGGCCTGAATCAAATGCTTTAGATTCTTAGACTTACCAGGAAA[G>A]CATTTAGATGATCACGGACCATTTCCAGCTCTTGTGGGACTGTCACAGATTGCTGAGTCC-3'
Protein context (NP_892006.3, residues 6831-6851): ELEMVRDHLN[Ala6841Val]FLEFSKEVDA